The following is an entry in ClinVar:

ClinVar aggregate classification (germline): Likely benign. Review status: reviewed by expert panel (3 of 4 stars). 7 submissions from 7 submitters: Likely benign (1). 6 of the submissions do not count toward it. Last evaluated 2017-04-18.

Conditions:
SOS1-related disorder. Also called: SOS1-related condition.
Cardiovascular phenotype. Identifiers: MedGen CN230736.
RASopathy. Also called: Noonan spectrum disorder; rasopathies. Identifiers: Orphanet 536391, MedGen C5555857, MONDO:0021060.

Allele frequency attached by ClinVar (database versions not stated): TOPMed 0.00003.
gnomAD v4.1: 79 of 1,613,718 alleles (0.0049%); highest among the groups gnomAD compares: South Asian, 0.069%; 1 homozygote.

Submissions (7):

ClinGen RASopathy Variant Curation Expert Panel
Classification: Likely benign for Noonan syndrome and Noonan-related syndrome. Last evaluated: 2017-04-18. Review status: reviewed by expert panel. Criteria: ClinGen RASopathy ACMG Specifications v1. Collection method: curation. Allele origin: germline. Inheritance: Autosomal dominant inheritance.
Comment: The filtering allele frequency of the c.3709C>A (p.Pro1237Thr) variant in the SOS1 gene is 0.0373% (11/16510) of South Asian chromosomes by the Exome Aggregation Consortium, which is a high enough frequency to be classified as likely benign based on thresholds defined by the ClinGen RASopathy Expert Panel (BS1; PMID:29493581)

Labcorp Genetics (formerly Invitae), Labcorp
Classification: Likely benign for RASopathy. Last evaluated: 2025-07-20. Review status: criteria provided, single submitter. Criteria: Invitae Variant Classification Sherloc (09022015). Collection method: clinical testing. Allele origin: germline. Not counted in ClinVar's aggregate classification.

Ambry Genetics
Classification: Likely benign for Cardiovascular phenotype. Last evaluated: 2025-04-06. Review status: criteria provided, single submitter. Criteria: Ambry Variant Classification Scheme 2023. Collection method: clinical testing. Allele origin: germline. Not counted in ClinVar's aggregate classification.

GeneDx
Classification: Likely benign. Last evaluated: 2021-10-11. Review status: criteria provided, single submitter. Criteria: GeneDx Variant Classification Process June 2021. Collection method: clinical testing. Allele origin: germline. Affected: yes. Not counted in ClinVar's aggregate classification.

Women's Health and Genetics/Laboratory Corporation of America, LabCorp
Classification: Likely benign. Last evaluated: 2021-08-09. Review status: criteria provided, single submitter. Criteria: LabCorp Variant Classification Summary - May 2015. Collection method: clinical testing. Allele origin: germline. Not counted in ClinVar's aggregate classification.
Comment: Variant summary: SOS1 c.3709C>A (p.Pro1237Thr) results in a non-conservative amino acid change in the encoded protein sequence. Four of five in-silico tools predict a damaging effect of the variant on protein function. The variant allele was found at a frequency of 0.0001 in 251126 control chromosomes in the gnomAD database, including 1 homozygote. The observed variant frequency is approximately 3.45 fold of the estimated maximal expected allele frequency for a pathogenic variant in SOS1 causing Noonan Syndrome phenotype (3e-05), strongly suggesting that the variant is benign. To our knowledge, no occurrence of c.3709C>A in individuals affected with Noonan Syndrome and no experimental evidence demonstrating its impact on protein function have been reported. One expert panel (ClinGen RASopathy Variant Curation Expert Panel) has submitted clinical-significance assessments for this variant to ClinVar after 2014 without evidence for independent evaluation and classified the variant as likely benign. Based on the evidence outlined above, the variant was classified as likely benign.

Laboratory for Molecular Medicine, Mass General Brigham Personalized Medicine
Classification: Uncertain significance. Last evaluated: 2009-04-21. Review status: criteria provided, single submitter. Criteria: LMM Criteria. Collection method: clinical testing. Allele origin: germline. Observed: 2 variant alleles. Not counted in ClinVar's aggregate classification.

PreventionGenetics, part of Exact Sciences
Classification: Likely benign for SOS1-related condition. Last evaluated: 2024-08-14. Review status: no assertion criteria provided. Collection method: clinical testing. Allele origin: germline. Not counted in ClinVar's aggregate classification.
Comment: This variant is classified as likely benign based on ACMG/AMP sequence variant interpretation guidelines (Richards et al. 2015 PMID: 25741868, with internal and published modifications).

NM_005633.4(SOS1):c.3709C>A (p.Pro1237Thr)

Gene: SOS1 (SOS Ras/Rac guanine nucleotide exchange factor 1; minus strand). Cytogenetic location: 2p22.1.
Variant type: single nucleotide variant.
Coding change: c.3709C>A on transcript NM_005633.4 (MANE Select); coding-DNA position 3709, C replaced by A.
Protein change: p.Pro1237Thr; replaces proline 1237 with threonine.
Molecular consequence: missense variant.
Genome position (GRCh38, 1-based): chr2:38,986,117, G>T on the plus strand (C>A on the coding strand, the complement: SOS1 is on the minus strand). VCF-style: chr2-38986117-G-T. GRCh37 (hg19) VCF-style: chr2-39213258-G-T.
Other names: NM_005633.3(SOS1):c.3709C>A; c.3688C>A, p.Pro1230Thr (NM_001382394.1); c.3664C>A, p.Pro1222Thr (NM_001382395.1); short protein forms P1237T, P1222T, P1230T.
Identifiers: ClinVar variation 45367 (VCV000045367.15), dbSNP rs371408734, ClinGen allele CA136149.